The following is an entry in ClinVar:

NM_001831.4(CLU):c.60C>T (p.Val20=)

Gene: CLU (clusterin; minus strand). Cytogenetic location: 8p21.1.
Variant type: single nucleotide variant.
Coding change: c.60C>T on transcript NM_001831.4 (MANE Select); coding-DNA position 60, C replaced by T.
Protein change: p.Val20=; no amino-acid change (valine 20 retained).
Molecular consequence: synonymous variant. On other transcripts: non-coding transcript variant (2).
Genome position (GRCh38, 1-based): chr8:27,610,512, G>A on the plus strand (C>T on the coding strand, the complement: CLU is on the minus strand). VCF-style: chr8-27610512-G-A. GRCh37 (hg19) VCF-style: chr8-27468029-G-A.
Other names: c.93C>T, p.Val31= (NM_001171138.1); c.60C>T, p.Val20= (NM_203339.3).
Identifiers: ClinVar variation 3053664 (VCV003053664.2), dbSNP rs756571678, ClinGen allele CA4691097.

ClinVar aggregate classification (germline): Likely benign (0 of 4 stars; one submission).

Conditions:
CLU-related disorder. Also called: CLU-related condition.

Allele frequency attached by ClinVar (database versions not stated): TOPMed below 0.00001; ExAC 0.00001; gnomAD 0.00002; gnomAD exomes 0.00002.
gnomAD v4.1: 30 of 1,614,220 alleles (0.0019%); highest among the groups gnomAD compares: Admixed American, 0.0067%; no homozygotes.

Submission:

PreventionGenetics, part of Exact Sciences
Classification: Likely benign for CLU-related condition. Last evaluated: 2019-08-20. Review status: no assertion criteria provided. Collection method: clinical testing. Allele origin: germline.
Comment: This variant is classified as likely benign based on ACMG/AMP sequence variant interpretation guidelines (Richards et al. 2015 PMID: 25741868, with internal and published modifications).